The following is an entry in ClinVar:

ClinVar aggregate classification (germline): Uncertain significance (1 of 4 stars; one submission).

Conditions:
LAMA2-related muscular dystrophy (LAMA2-RD). Also called: Laminin alpha 2-related dystrophy. Identifiers: MedGen C5679788, MONDO:0100228.

gnomAD v4.1: 1 of 1,609,902 alleles (0.000062%); highest among the groups gnomAD compares: Non-Finnish European, 0.000085%; no homozygotes.

Submission:

Labcorp Genetics (formerly Invitae), Labcorp
Classification: Uncertain significance for LAMA2-related muscular dystrophy. Last evaluated: 2021-03-26. Review status: criteria provided, single submitter. Criteria: Invitae Variant Classification Sherloc (09022015). Collection method: clinical testing. Allele origin: germline.
Comment: In summary, the available evidence is currently insufficient to determine the role of this variant in disease. Therefore, it has been classified as a Variant of Uncertain Significance. Advanced modeling of protein sequence and biophysical properties (such as structural, functional, and spatial information, amino acid conservation, physicochemical variation, residue mobility, and thermodynamic stability) performed at Invitae indicates that this missense variant is not expected to disrupt LAMA2 protein function. This variant has not been reported in the literature in individuals with LAMA2-related conditions. This variant is not present in population databases (ExAC no frequency). This sequence change replaces arginine with glycine at codon 741 of the LAMA2 protein (p.Arg741Gly). The arginine residue is weakly conserved and there is a moderate physicochemical difference between arginine and glycine.

NM_000426.4(LAMA2):c.2221A>G (p.Arg741Gly)

Gene: LAMA2 (laminin subunit alpha 2; plus strand). Cytogenetic location: 6q22.33.
Variant type: single nucleotide variant.
Coding change: c.2221A>G on transcript NM_000426.4 (MANE Select); coding-DNA position 2221, A replaced by G.
Protein change: p.Arg741Gly; replaces arginine 741 with glycine.
Molecular consequence: missense variant.
Genome position (GRCh38, 1-based): chr6:129,267,118, A>G. VCF-style: chr6-129267118-A-G. GRCh37 (hg19) VCF-style: chr6-129588263-A-G.
Other names: c.2221A>G, p.Arg741Gly (NM_001079823.2); short protein forms R741G.
Identifiers: ClinVar variation 1520119 (VCV001520119.8), dbSNP rs972242971, ClinGen allele CA365608746.